The following is an entry in ClinVar:

NM_000051.4(ATM):c.3127G>A (p.Val1043Ile)

Gene: ATM (ATM serine/threonine kinase; plus strand). Cytogenetic location: 11q22.3.
Variant type: single nucleotide variant.
Coding change: c.3127G>A on transcript NM_000051.4 (MANE Select); coding-DNA position 3127, G replaced by A.
Protein change: p.Val1043Ile; replaces valine 1043 with isoleucine.
Molecular consequence: missense variant.
Genome position (GRCh38, 1-based): chr11:108,272,581, G>A. VCF-style: chr11-108272581-G-A. GRCh37 (hg19) VCF-style: chr11-108143308-G-A.
Other names: c.3127G>A, p.Val1043Ile (NM_001351834.2); short protein forms V1043I.
Identifiers: ClinVar variation 2820647 (VCV002820647.3), dbSNP rs2135566253, ClinGen allele CA382515252.
Genomic context (GRCh38, chr11:108,272,581, plus strand): 5'-CTTGATTTCAGGCATCTAACAAAGGAGAGGAAATATATATTCTCTGTAAGAATGGCCCTA[G>A]TAAATTGCCTTAAAACTTTGCTTGAGGTGAGTTTTTGCATTTTTTTAGTAAGATCTCCAT-3'
Protein context (NP_000042.3, residues 1033-1053): KYIFSVRMAL[Val1043Ile]NCLKTLLEAD

ClinVar aggregate classification (germline): Uncertain significance (1 of 4 stars; one submission).

Conditions:
Ataxia-telangiectasia syndrome (AT). Also called: ATAXIA-TELANGIECTASIA, COMPLEMENTATION GROUP A; Ataxia telangiectasia (A-T); Cerebello-oculocutaneous telangiectasia; Immunodeficiency with ataxia telangiectasia; LOUIS-BAR SYNDROME; ATAXIA-TELANGIECTASIA, FRESNO VARIANT. Identifiers: Orphanet 100, MedGen C0004135, MONDO:0008840, OMIM 208900.

Submission:

Labcorp Genetics (formerly Invitae), Labcorp
Classification: Uncertain significance for Ataxia-telangiectasia syndrome. Last evaluated: 2022-12-14. Review status: criteria provided, single submitter. Criteria: Invitae Variant Classification Sherloc (09022015). Collection method: clinical testing. Allele origin: germline.
Comment: In summary, the available evidence is currently insufficient to determine the role of this variant in disease. Therefore, it has been classified as a Variant of Uncertain Significance. Algorithms developed to predict the effect of missense changes on protein structure and function (SIFT, PolyPhen-2, Align-GVGD) all suggest that this variant is likely to be tolerated. This variant has not been reported in the literature in individuals affected with ATM-related conditions. This variant is not present in population databases (gnomAD no frequency). This sequence change replaces valine, which is neutral and non-polar, with isoleucine, which is neutral and non-polar, at codon 1043 of the ATM protein (p.Val1043Ile).